The following is an entry in ClinVar:

NM_145199.3(LIPT1):c.-17C>T

Gene: LIPT1 (lipoyltransferase 1; plus strand). Cytogenetic location: 2q11.2.
Variant type: single nucleotide variant.
Coding change: c.-17C>T on transcript NM_145199.3 (MANE Select); 17 bases upstream of the start codon, C replaced by T.
Molecular consequence: 5 prime UTR variant. On other transcripts: non-coding transcript variant (1).
Genome position (GRCh38, 1-based): chr2:99,155,036, C>T. VCF-style: chr2-99155036-C-T. GRCh37 (hg19) VCF-style: chr2-99771499-C-T.
Other names: c.-143C>T (NM_015929.4); c.-271C>T (NM_145197.3); c.-259C>T (NM_145198.3).
Identifiers: ClinVar variation 382788 (VCV000382788.4), dbSNP rs181470779, ClinGen allele CA1797245.

ClinVar aggregate classification (germline): Benign/Likely benign. Review status: criteria provided, multiple submitters, no conflicts (2 of 4 stars). 2 submissions from 2 submitters: Benign (1); Likely benign (1). Last evaluated 2026-05-01.

Allele frequency attached by ClinVar (database versions not stated): TOPMed 0.00435; 1000 Genomes Project 0.00260; 1000 Genomes Project 30x 0.00297; gnomAD 0.00421.
gnomAD v4.1: 757 of 455,812 alleles (0.17%); highest among the groups gnomAD compares: African/African-American, 1.4%; 5 homozygotes.

Submissions (2):

CeGaT Center for Human Genetics Tuebingen
Classification: Benign. Last evaluated: 2026-05-01. Review status: criteria provided, single submitter. Criteria: CeGaT Center For Human Genetics Tuebingen Variant Classification Criteria Version 2. Collection method: clinical testing. Allele origin: germline. Affected: yes. Observed: 1 variant allele.
Comment: LIPT1: BS1, BS2

GeneDx
Classification: Likely benign. Last evaluated: 2018-08-01. Review status: criteria provided, single submitter. Criteria: GeneDx Variant Classification Process June 2021. Collection method: clinical testing. Allele origin: germline. Affected: yes.